The following is an entry in ClinVar:

ClinVar aggregate classification (germline): Conflicting classifications of pathogenicity. Review status: criteria provided, conflicting classifications (1 of 4 stars). 8 submissions from 8 submitters: Uncertain significance (3); Likely benign (5). Last evaluated 2026-01-22.

Conditions:
CTSD-related disorder. Also called: CTSD-related condition.
Inborn genetic diseases. Identifiers: MedGen C0950123, MeSH D030342.
Neuronal ceroid lipofuscinosis. Also called: Neuronal Ceroid Lipofuscinoses. Identifiers: Orphanet 216, Orphanet 79263, MedGen C0027877, MONDO:0016295. Disease mechanism: loss of function.
Neuronal ceroid lipofuscinosis 10 (CLN10). Also called: NEURONAL CEROID LIPOFUSCINOSIS DUE TO CATHEPSIN D DEFICIENCY; CTSD-Related Neuronal Ceroid-Lipofuscinosis. Identifiers: Orphanet 228337, MedGen C1864669, MONDO:0012414, OMIM 610127.

Allele frequency attached by ClinVar (database versions not stated): ESP Exome Variant Server 0.00023; gnomAD exomes 0.00023; gnomAD 0.00025 and 0.00028; ExAC 0.00026; TOPMed 0.00032; 1000 Genomes Project 0.00060; 1000 Genomes Project 30x 0.00062.
gnomAD v4.1: 205 of 1,613,600 alleles (0.013%); highest among the groups gnomAD compares: East Asian, 0.14%; 5 homozygotes.

Submissions (8):

Labcorp Genetics (formerly Invitae), Labcorp
Classification: Likely benign for Neuronal ceroid lipofuscinosis. Last evaluated: 2026-01-22. Review status: criteria provided, single submitter. Criteria: Invitae Variant Classification Sherloc (09022015). Collection method: clinical testing. Allele origin: germline.

Blueprint Genetics
Classification: Likely benign. Last evaluated: 2024-11-27. Review status: criteria provided, single submitter. Criteria: ACMG Guidelines, 2015. Collection method: clinical testing. Allele origin: germline.

PreventionGenetics, part of Exact Sciences
Classification: Likely benign for CTSD-related condition. Last evaluated: 2024-11-19. Review status: criteria provided, single submitter. Criteria: ACMG Guidelines, 2015. Collection method: clinical testing. Allele origin: germline.
Comment: This variant is classified as likely benign based on ACMG/AMP sequence variant interpretation guidelines (Richards et al. 2015 PMID: 25741868, with internal and published modifications).

CeGaT Center for Human Genetics Tuebingen
Classification: Likely benign. Last evaluated: 2024-03-01. Review status: criteria provided, single submitter. Criteria: CeGaT Center For Human Genetics Tuebingen Variant Classification Criteria Version 2. Collection method: clinical testing. Allele origin: germline. Affected: yes. Observed: 1 variant allele.
Comment: CTSD: BP4

GeneDx
Classification: Uncertain significance. Last evaluated: 2020-09-01. Review status: criteria provided, single submitter. Criteria: GeneDx Variant Classification Process June 2021. Collection method: clinical testing. Allele origin: germline. Affected: yes.
Comment: In silico analysis, which includes protein predictors and evolutionary conservation, supports that this variant does not alter protein structure/function; Has not been previously published as pathogenic or benign to our knowledge

Ambry Genetics
Classification: Likely benign for Inborn genetic diseases. Last evaluated: 2019-05-12. Review status: criteria provided, single submitter. Criteria: Ambry Variant Classification Scheme 2023. Collection method: clinical testing. Allele origin: germline.

Illumina Laboratory Services, Illumina
Classification: Uncertain significance for Neuronal ceroid lipofuscinosis 10. Last evaluated: 2018-01-12. Review status: criteria provided, single submitter. Criteria: ICSL Variant Classification Criteria 13 December 2019. Collection method: clinical testing. Allele origin: germline.

Eurofins Ntd Llc (ga)
Classification: Uncertain significance. Last evaluated: 2015-08-19. Review status: criteria provided, single submitter. Criteria: EGL Classification Definitions 2015. Collection method: clinical testing. Allele origin: germline. Observed: 2 variant alleles, 2 heterozygotes.

NM_001909.5(CTSD):c.1009G>A (p.Ala337Thr)

Gene: CTSD (cathepsin D; minus strand). Cytogenetic location: 11p15.5.
Variant type: single nucleotide variant.
Coding change: c.1009G>A on transcript NM_001909.5 (MANE Select); coding-DNA position 1009, G replaced by A.
Protein change: p.Ala337Thr; replaces alanine 337 with threonine.
Molecular consequence: missense variant.
Genome position (GRCh38, 1-based): chr11:1,753,865, C>T on the plus strand (G>A on the coding strand, the complement: CTSD is on the minus strand). VCF-style: chr11-1753865-C-T. GRCh37 (hg19) VCF-style: chr11-1775095-C-T.
Other names: short protein forms A337T.
Identifiers: ClinVar variation 282729 (VCV000282729.45), dbSNP rs147800688, ClinGen allele CA5813950.
Genomic context (GRCh38, chr11:1,753,865, plus strand): 5'-TGAGCGTGTAGTCCTCTGGGGACAGCTTGTAGCCTTTGCCTCCCAGCTTCAGTGTGATCG[C>T]GGGCAGGGTGGACACCTTCTCACAGGGGATCATGTACTAAGAGGGGTCACAGCAGTGTCA-3'
Protein context (NP_001900.1, residues 327-347): IPCEKVSTLP[Ala337Thr]ITLKLGGKGY